The following is an entry in ClinVar:

NM_177438.3(DICER1):c.4313A>G (p.Tyr1438Cys)

Gene: DICER1 (dicer 1, ribonuclease III; minus strand). Cytogenetic location: 14q32.13.
Variant type: single nucleotide variant.
Coding change: c.4313A>G on transcript NM_177438.3 (MANE Select); coding-DNA position 4313, A replaced by G.
Protein change: p.Tyr1438Cys; replaces tyrosine 1438 with cysteine.
Molecular consequence: missense variant.
Genome position (GRCh38, 1-based): chr14:95,096,607, T>C on the plus strand (A>G on the coding strand, the complement: DICER1 is on the minus strand). VCF-style: chr14-95096607-T-C. GRCh37 (hg19) VCF-style: chr14-95562944-T-C.
Other names: NM_177438.3(DICER1):c.4313A>G; p.Tyr1438Cys; c.4313A>G, p.Tyr1438Cys (NM_001195573.1, NM_001271282.3, NM_001291628.2 and 1 more transcripts); short protein forms Y1438C.
Identifiers: ClinVar variation 939082 (VCV000939082.19), dbSNP rs1202589148, ClinGen allele CA390869397.
Genomic context (GRCh38, chr14:95,096,607, plus strand): 5'-ATTAACATATTATCTATAAATCTGATATGTTCCTGATCATACTCCAGGAAATCATCTTCA[T>C]AGTCAGCCTCTTCCTTCGGAGCCCTCCACATCAGGCTCTCCTCCTCCTCATCCTCCTCCT-3'
Protein context (NP_803187.1, residues 1428-1448): MWRAPKEEAD[Tyr1438Cys]EDDFLEYDQE

ClinVar aggregate classification (germline): Uncertain significance. Review status: reviewed by expert panel (3 of 4 stars). 5 submissions from 5 submitters: Uncertain significance (1). 4 of the submissions do not count toward it. Last evaluated 2026-02-24.

Conditions:
DICER1-related tumor predisposition. Also called: DICER1-related pleuropulmonary blastoma cancer predisposition syndrome; DICER1 syndrome. Identifiers: Orphanet 284343, MedGen C3839822, MONDO:0100216.
Global developmental delay - lung cysts - overgrowth - Wilms tumor syndrome. Also called: GLOW Syndrome; GLOBAL DEVELOPMENTAL DELAY, LUNG CYSTS, OVERGROWTH, AND WILMS TUMOR. Identifiers: Orphanet 404476, MedGen C4748924, MONDO:0018445, OMIM 618272.
Hereditary cancer-predisposing syndrome. Also called: Hereditary neoplastic syndrome; Neoplastic Syndromes, Hereditary; Hereditary Cancer Syndrome; Tumor predisposition. Identifiers: Orphanet 140162, MedGen C0027672, MeSH D009386, MONDO:0015356.

Allele frequency attached by ClinVar (database versions not stated): TOPMed 0.00002.

Submissions (5):

ClinGen DICER1 and miRNA-Processing Gene Variant Curation Expert Panel, ClinGen
Classification: Uncertain significance for DICER1-related tumor predisposition. Last evaluated: 2026-02-24. Review status: reviewed by expert panel. Criteria: ClinGen DICER1 ACMG Specifications DICER1 V1.4.0. Collection method: curation. Allele origin: germline. Inheritance: Autosomal dominant inheritance.
Comment: The NM_177438.3:c.4313A>G variant in DICER1 is a missense variant predicted to cause substitution of tyrosine by cysteine at amino acid 1438 (p.Tyr1438Cys). Although this variant has been observed in individuals undergoing genetic sequencing, to our knowledge, this variant has not been reported in individuals with DICER1-related tumor predisposition (PS4 not met; Internal lab contributors). This variant has an allele frequency of 0.000001241 (2/1611784 alleles) across gnomAD v4.1.0 with no more than one allele in any subpopulation, which is lower than the ClinGen DICER1 VCEP threshold (<0.000005) for PM2_Supporting, and therefore meets this criterion (PM2_Supporting). In silico tools predict no damaging impact of the variant on protein function (REVEL: 0.2; MaxEntScan and SpliceAI: no effect on splicing) (BP4). 4 different missense variants, c.4313A>T (p.Tyr1438Phe), c.4313A>C (p.Tyr1438Ser), c.4312T>G (p.Tyr1438Asp), c.4312T>A (p.Tyr1438Asn), with Grantham scores equal to or less than the current variant have been reported in the same codon (ClinVar Variation ID: 2674813, 966537, 939902, 242107). However, these variants have not yet met the criteria to be classified as pathogenic by the ClinGen DICER VCEP (PM5 not met). In summary, this variant meets the criteria to be classified as Uncertain Significance for DICER1-related tumor predisposition based on the ACMG/AMP criteria applied, as specified by the ClinGen DICER1 VCEP: PM2_Supporting, BP4. (Bayesian Points: 0; VCEP specifications version 1.4.0; 02/24/2026)

GeneDx
Classification: Uncertain significance. Last evaluated: 2025-09-08. Review status: criteria provided, single submitter. Criteria: GeneDx Variant Classification Process June 2021. Collection method: clinical testing. Allele origin: germline. Not counted in ClinVar's aggregate classification.
Comment: Not observed at significant frequency in large population cohorts (gnomAD); In silico analysis suggests that this missense variant does not alter protein structure/function; Has not been previously published as pathogenic or benign to our knowledge

Labcorp Genetics (formerly Invitae), Labcorp
Classification: Uncertain significance for DICER1-related tumor predisposition. Last evaluated: 2025-08-13. Review status: criteria provided, single submitter. Criteria: Invitae Variant Classification Sherloc (09022015). Collection method: clinical testing. Allele origin: germline. Not counted in ClinVar's aggregate classification.
Comment: This sequence change replaces tyrosine, which is neutral and polar, with cysteine, which is neutral and slightly polar, at codon 1438 of the DICER1 protein (p.Tyr1438Cys). This variant is not present in population databases (gnomAD no frequency). This variant has not been reported in the literature in individuals affected with DICER1-related conditions. ClinVar contains an entry for this variant (Variation ID: 939082). Invitae Evidence Modeling of protein sequence and biophysical properties (such as structural, functional, and spatial information, amino acid conservation, physicochemical variation, residue mobility, and thermodynamic stability) indicates that this missense variant is not expected to disrupt DICER1 protein function with a negative predictive value of 95%. In summary, the available evidence is currently insufficient to determine the role of this variant in disease. Therefore, it has been classified as a Variant of Uncertain Significance.

Ambry Genetics
Classification: Uncertain significance for Hereditary cancer-predisposing syndrome. Last evaluated: 2024-04-15. Review status: criteria provided, single submitter. Criteria: Ambry Variant Classification Scheme 2023. Collection method: clinical testing. Allele origin: germline. Not counted in ClinVar's aggregate classification.
Comment: The p.Y1438C variant (also known as c.4313A>G), located in coding exon 22 of the DICER1 gene, results from an A to G substitution at nucleotide position 4313. The tyrosine at codon 1438 is replaced by cysteine, an amino acid with highly dissimilar properties. This amino acid position is not well conserved in available vertebrate species. In addition, this alteration is predicted to be tolerated by in silico analysis. Based on the available evidence, the clinical significance of this variant remains unclear.

Baylor Genetics
Classification: Uncertain significance for Global developmental delay - lung cysts - overgrowth - Wilms tumor syndrome. Last evaluated: 2023-08-10. Review status: criteria provided, single submitter. Criteria: ACMG Guidelines, 2015. Collection method: clinical testing. Allele origin: unknown. Not counted in ClinVar's aggregate classification.